The following is an entry in ClinVar:

NM_001130987.2(DYSF):c.3337C>G (p.Arg1113Gly)

Gene: DYSF (dysferlin; plus strand). Cytogenetic location: 2p13.2.
Variant type: single nucleotide variant.
Coding change: c.3337C>G on transcript NM_001130987.2 (MANE Select); coding-DNA position 3337, C replaced by G.
Protein change: p.Arg1113Gly; replaces arginine 1113 with glycine.
Molecular consequence: missense variant.
Genome position (GRCh38, 1-based): chr2:71,574,306, C>G. VCF-style: chr2-71574306-C-G. GRCh37 (hg19) VCF-style: chr2-71801436-C-G.
Other names: c.3286C>G, p.Arg1096Gly (NM_001130455.2, NM_001130983.2); c.3241C>G, p.Arg1081Gly (NM_001130976.2, NM_001130977.2); c.3283C>G, p.Arg1095Gly (NM_001130978.2, NM_003494.4); c.3376C>G, p.Arg1126Gly (NM_001130979.2); c.3334C>G, p.Arg1112Gly (NM_001130980.2, NM_001130981.2); c.3379C>G, p.Arg1127Gly (NM_001130982.2); c.3244C>G, p.Arg1082Gly (NM_001130984.2, NM_001130986.2); c.3337C>G, p.Arg1113Gly (NM_001130985.2); short protein forms R1081G, R1082G, R1095G, R1126G, R1112G, R1096G, R1113G, R1127G.
Identifiers: ClinVar variation 842930 (VCV000842930.5), dbSNP rs141536854, ClinGen allele CA347218259.

ClinVar aggregate classification (germline): Uncertain significance. Review status: criteria provided, multiple submitters, no conflicts (2 of 4 stars). 2 submissions from 2 submitters: Uncertain significance (2). Last evaluated 2022-02-03.

Conditions:
Neuromuscular disease caused by qualitative or quantitative defects of dysferlin. Also called: Qualitative or quantitative defects of dysferlin; Dysferlinopathy. Identifiers: Orphanet 207073, MedGen C2931687, MONDO:0016145.

gnomAD v4.1: 7 of 1,614,102 alleles (0.00043%); highest among the groups gnomAD compares: Non-Finnish European, 0.00059%; no homozygotes.

Submissions (2):

Labcorp Genetics (formerly Invitae), Labcorp
Classification: Uncertain significance for Neuromuscular disease caused by qualitative or quantitative defects of dysferlin. Last evaluated: 2022-02-03. Review status: criteria provided, single submitter. Criteria: Invitae Variant Classification Sherloc (09022015). Collection method: clinical testing. Allele origin: germline.
Comment: This sequence change replaces arginine, which is basic and polar, with glycine, which is neutral and non-polar, at codon 1095 of the DYSF protein (p.Arg1095Gly). This variant is not present in population databases (gnomAD no frequency). This variant has not been reported in the literature in individuals affected with DYSF-related conditions. ClinVar contains an entry for this variant (Variation ID: 842930). Algorithms developed to predict the effect of missense changes on protein structure and function are either unavailable or do not agree on the potential impact of this missense change (SIFT: "Deleterious"; PolyPhen-2: "Probably Damaging"; Align-GVGD: "Class C0"). In summary, the available evidence is currently insufficient to determine the role of this variant in disease. Therefore, it has been classified as a Variant of Uncertain Significance.

Revvity Omics, Revvity
Classification: Uncertain significance. Last evaluated: 2019-09-09. Review status: criteria provided, single submitter. Criteria: ACMG Guidelines, 2015. Collection method: clinical testing. Allele origin: germline.